The following is an entry in ClinVar:

NM_001913.5(CUX1):c.1265C>G (p.Ala422Gly)

Gene: CUX1 (cut like homeobox 1; plus strand). Cytogenetic location: 7q22.1.
Variant type: single nucleotide variant.
Coding change: c.1265C>G on transcript NM_001913.5 (MANE Plus Clinical); coding-DNA position 1265, C replaced by G.
Protein change: p.Ala422Gly; replaces alanine 422 with glycine.
Molecular consequence: missense variant.
Genome position (GRCh38, 1-based): chr7:102,273,375, C>G. VCF-style: chr7-102273375-C-G. GRCh37 (hg19) VCF-style: chr7-101916646-C-G.
Other names: c.1259C>G, p.Ala420Gly (NM_181500.4); c.1217C>G, p.Ala406Gly (NM_001202544.3); c.1127C>G, p.Ala376Gly (NM_001202545.3); c.1148C>G, p.Ala383Gly (NM_001202546.3); short protein forms A376G, A383G, A406G, A420G, A422G.
Identifiers: ClinVar variation 5041463 (VCV005041463.1).

ClinVar aggregate classification (germline): Likely benign (1 of 4 stars; one submission).

gnomAD v4.1: 3,068 of 1,611,904 alleles (0.19%); highest among the groups gnomAD compares: African/African-American, 3.8%; 49 homozygotes.

Submission:

CeGaT Center for Human Genetics Tuebingen
Classification: Likely benign. Last evaluated: 2026-09-01. Review status: criteria provided, single submitter. Criteria: CeGaT Center For Human Genetics Tuebingen Variant Classification Criteria Version 2. Collection method: clinical testing. Allele origin: germline. Affected: yes. Observed: 1 variant allele.
Comment: CUX1: BS2